The following continues an entry in ClinVar:

NM_000218.3(KCNQ1):c.1022C>T (p.Ala341Val)

Gene: KCNQ1. ClinVar aggregate classification (germline): Pathogenic. Pathogenic (10).

Submissions 8 to 13 of 13:

Agnes Ginges Centre for Molecular Cardiology, Centenary Institute
Classification: Pathogenic for Long QT syndrome. Last evaluated: 2018-10-23. Review status: criteria provided, single submitter. Criteria: ACMG Guidelines, 2015. Collection method: research. Allele origin: germline. Inheritance: Autosomal dominant inheritance. Affected: yes.
Comment: This variant has been identified as part of our research program. Refer to the 'condition' field for the phenotype of the proband(s) identified with this variant. For further information please feel free to contact us.

MVZ Martinsried, Medicover Genetics
Classification: Pathogenic for Long QT syndrome 1. Last evaluated: 2018-03-08. Review status: criteria provided, single submitter. Criteria: ACMG Guidelines, 2015. Collection method: clinical testing. Allele origin: unknown. Affected: yes.

Neuberg Centre For Genomic Medicine, NCGM
Classification: Pathogenic for Long QT syndrome 1. Review status: criteria provided, single submitter. Criteria: ACMG Guidelines, 2015. Collection method: clinical testing. Allele origin: germline. Inheritance: Autosomal dominant inheritance. Affected: yes.
Comment: The c.1022C>T (p.Ala341Val) missense variant in KCNQ1 gene has been reported in individuals affected with long QT syndrome (Brink et al., 2005). This variant has been observed to segregate with long QT syndrome (LQTS) in several families (Brink et al., 2005). Experimental studies have shown that this missense change reduces the current of the KCNQ1 channel in a dominant negative fashion (Brink et al., 2005). This variant disrupts the p.Ala341 amino acid residue in KCNQ1. Other variant(s) that disrupt this residue have been observed in affected individuals (Anastasakis et al., 2006), suggesting that it is a clinically significant residue. The p.Ala341Val variant is novel (not in any individuals) in gnomAD Exomes and 1000 Genomes. This variant has been reported to the ClinVar database as Pathogenic. The amino acid Ala at position 341 is changed to a Val changing protein sequence and it might alter its composition and physico-chemical properties. The amino acid change p.Ala341Val in KCNQ1 is predicted as conserved by GERP++ and PhyloP across 100 vertebrates. For these reasons, this variant has been classified as Pathogenic.

Stanford Center for Inherited Cardiovascular Disease, Stanford University
Classification: Pathogenic for Long QT syndrome. Last evaluated: 2014-12-02. Review status: no assertion criteria provided. Criteria: clinical testing. Collection method: clinical testing. Allele origin: unknown. Affected: yes. Observed: 1 variant allele. Not counted in ClinVar's aggregate classification.
Comment: Given the very strong case and segregation data and absence in general population samples, we consider this variant very likely disease causing. This variant has been reported in at least 27 unrelated cases with Long QT syndrome (not including our patient). Wang et al (1996) initially reported 5 families with the p.Ala341Val variant and long QT Syndrome (reported as p.Ala212Val). The variant segregated with disease in 55 affected individuals across the 5 families (Family 1- 6 affected, Family 2- 18 affected, Family 3-18 affected, Family 4- 3 affected and Family 5-2 affected). These families were recruited from North America and Europe. Russell et al (1996) reported monozygotic twins with the variant and LQT. The variant was de novo; neither parent carried it, both parents had normal QT intervals, and paternity was confirmed by molecular analysis. The family for this study was recruited from Michigan and Atlanta. De Jager et al (1996) reported a family of Northern European Afrikaner descent with p.Ala341Val; in this family all the affected individuals shared a common disease associated haplotype thus indicating a founder effect in the South African population. Donger et al (1997) reported a family with 5 affected individuals- 2 had syncope before age 10 and 3 had a SCD before age 40. Li et al (1998) reported p.Ala341Val in 2 out of 115 families from the Int LQT Registry (N. America, Europe , Asia). One of these families can be viewed as additive since they are of Japanese origin and the prior studies only included European and American families. Splawski et al (2000) also reported 7 families with disease and variant but these were previously published cases (Wang, Russell, Donger and Li). Jongbloed et al (2002) identified the variant in 1 out of 32 families of Dutch and Belgian ancestry. Kobori et al (2004) reported 2 families with the variant. Westenskow et al (2004) reported a case with the p.Ala341Val variant in KCNQ1 and an additional variant in KCNE1 (p.P127T). The patients QTc was 530 ms. Tester et al (2005) reported 3 unrelated individuals with the variant out of 541 cases sent for genetic testing in Ackerman’s lab between August 1997 and July 2004. In 2005 Lai et al reported of a case positive for the variant who presented with an “attack” during swimming. The variant was reported in 8 individuals in the Familion compendium, which includes 2500 patients referred for clinical long QT genetic testing (Kapplinger et al 2009). Of note in considering the cases reported by Kapplinger et al (2009) is the lack of phenotypic data on this cohort, the low yield of 36% (vs. 70% in cohorts with firm diagnoses of long QT), and the lack of clarity regarding which variants were seen with another variant (9% of the cohort had multiple variants). In 2010, Kotta et al reported the variant in 1 out of 17 unrelated cases with LQT in Greece. This is a semi conservative amino acid change with a nonpolar, neutral Alanine replaced with a non polar neutral Valine. The variant is located in the S6 transmembrane domain of the K+ channel. In silico analysis (SIFT, PolyPhen) predicts the amino acid change to be deleterious to the resulting protein. Missense variants in the same codon and nearby codons (A341E, A341G, L342F, P343L, A344V) have been reported in association with LQTS. The variant is listed in an online resource, fsm, and hearing.harvard databases. There are no studies involving mouse models. In total, the variant has not been seen in ~8380 published controls, laboratory controls, and individuals from publicly available datasets not selected for Mendelian cardiovascular disease. Wang et al (1996) reported that the variant was absent in 200 presumably healthy controls of unspecified ancestry. Russell et al (1996) reported that the variant was not identified in 180 presumably healthy controls. Li et al (1998) report the variant was absent in 150 presumably healthy controls. Jonbloed et al (2002) indicate that p.Ala341Val was absent in 50 presumably healthy controls. Kapplinger et al (2009) report that p.Ala341Val was not observed in 1300 presumably healthy controls (47% Caucasian, 26% African American, 11% Hispanic, 10% Asian, and 6% unknown/other). Thus in total the variant was absent in 1880 presumably healthy controls. The variant is listed in dbSNP with the rs # 12720459; however there is no allele frequency data available. There is no variation at codon 341 in the NHLBI ESP, which currently includes variant calls from ~6500 individuals (as of January 13th 2014). There is no non-synonymous variation at codon 341 listed in the Exome Aggregation Consortium dataset, which currently includes variant calls on ~64,000 individuals of European, African, Latino and Asian descent (as of December 1st, 2014). Note this includes the NHLBI ESP data reviewed above.

OMIM
Classification: Pathogenic for LONG QT SYNDROME 1. Last evaluated: 2005-10-25. Review status: no assertion criteria provided. Collection method: literature only. Allele origin: germline. Not counted in ClinVar's aggregate classification.

Cardiovascular Biomedical Research Unit, Royal Brompton & Harefield NHS Foundation Trust
No classification provided. Review status: no classification provided. Collection method: literature only. Allele origin: germline. Not counted in ClinVar's aggregate classification.
Comment: This variant has been reported in the following publications (PMID:8528244;PMID:8818942;PMID:8872472;PMID:9386136;PMID:9570196;PMID:10973849;PMID:12402336;PMID:14678125;PMID:15028050;PMID:15051636;PMID:15840476;PMID:16155735;PMID:16922724;PMID:19716085;PMID:19841300;PMID:21810471;PMID:10376919;PMID:21854832;PMID:15234419;PMID:16246960;PMID:18308161;PMID:17470695;PMID:22095730).

Literature cited by the submitters: PubMed 8528244 (cited by 6 submitters); PubMed 8872472 (cited by 4 submitters); PubMed 16627448 (cited by 5 submitters); PubMed 17984373 (cited by 4 submitters); PubMed 21854832 (cited by 5 submitters); PubMed 22095730 (cited by 6 submitters); PubMed 10973849 (cited by 3 submitters); PubMed 15234419 (cited by 3 submitters); PubMed 16246960 (cited by 6 submitters); PubMed 24217263 (cited by Color Diagnostics, LLC DBA Color Health and Victorian Clinical Genetics Services, Murdoch Childrens Research Institute); PubMed 26318259 (cited by Color Diagnostics, LLC DBA Color Health); PubMed 30956674 (cited by Color Diagnostics, LLC DBA Color Health); PubMed 32893267 (cited by Color Diagnostics, LLC DBA Color Health); PubMed 33900377 (cited by Color Diagnostics, LLC DBA Color Health); PubMed 15051636 (cited by 4 submitters); PubMed 22949429 (cited by Labcorp Genetics (formerly Invitae), Labcorp); PubMed 25634836 (cited by Labcorp Genetics (formerly Invitae), Labcorp); PubMed 10376919 (cited by 3 submitters); PubMed 10086971 (cited by Labcorp Genetics (formerly Invitae), Labcorp); PubMed 19716085 (cited by 4 submitters); PubMed 34505893 (cited by Mayo Clinic Laboratories, Mayo Clinic); PubMed 19632626 (cited by Victorian Clinical Genetics Services, Murdoch Childrens Research Institute); PubMed 20301308 (cited by Victorian Clinical Genetics Services, Murdoch Childrens Research Institute); PubMed 28438721 (cited by Victorian Clinical Genetics Services, Murdoch Childrens Research Institute); PubMed 12402336 (cited by Agnes Ginges Centre for Molecular Cardiology, Centenary Institute and Cardiovascular Biomedical Research Unit, Royal Brompton & Harefield NHS Foundation Trust); PubMed 15028050 (cited by Agnes Ginges Centre for Molecular Cardiology, Centenary Institute and Cardiovascular Biomedical Research Unit, Royal Brompton & Harefield NHS Foundation Trust); PubMed 15840476 (cited by Agnes Ginges Centre for Molecular Cardiology, Centenary Institute and Cardiovascular Biomedical Research Unit, Royal Brompton & Harefield NHS Foundation Trust); PubMed 16922724 (cited by Agnes Ginges Centre for Molecular Cardiology, Centenary Institute and Cardiovascular Biomedical Research Unit, Royal Brompton & Harefield NHS Foundation Trust); PubMed 21063070 (cited by Agnes Ginges Centre for Molecular Cardiology, Centenary Institute); PubMed 17470695 (cited by Agnes Ginges Centre for Molecular Cardiology, Centenary Institute and Cardiovascular Biomedical Research Unit, Royal Brompton & Harefield NHS Foundation Trust); PubMed 18308161 (cited by Agnes Ginges Centre for Molecular Cardiology, Centenary Institute and Cardiovascular Biomedical Research Unit, Royal Brompton & Harefield NHS Foundation Trust); PubMed 19841300 (cited by Agnes Ginges Centre for Molecular Cardiology, Centenary Institute and Cardiovascular Biomedical Research Unit, Royal Brompton & Harefield NHS Foundation Trust); PubMed 21810471 (cited by Agnes Ginges Centre for Molecular Cardiology, Centenary Institute and Cardiovascular Biomedical Research Unit, Royal Brompton & Harefield NHS Foundation Trust); PubMed 22581653 (cited by Agnes Ginges Centre for Molecular Cardiology, Centenary Institute and Cardiovascular Biomedical Research Unit, Royal Brompton & Harefield NHS Foundation Trust); PubMed 24705789 (cited by Agnes Ginges Centre for Molecular Cardiology, Centenary Institute); PubMed 29194874 (cited by Agnes Ginges Centre for Molecular Cardiology, Centenary Institute); PubMed 14678125 (cited by Agnes Ginges Centre for Molecular Cardiology, Centenary Institute and Cardiovascular Biomedical Research Unit, Royal Brompton & Harefield NHS Foundation Trust); PubMed 16155735 (cited by Agnes Ginges Centre for Molecular Cardiology, Centenary Institute and Cardiovascular Biomedical Research Unit, Royal Brompton & Harefield NHS Foundation Trust); PubMed 25087618 (cited by Agnes Ginges Centre for Molecular Cardiology, Centenary Institute and OMIM); PubMed 9570196 (cited by Agnes Ginges Centre for Molecular Cardiology, Centenary Institute and Cardiovascular Biomedical Research Unit, Royal Brompton & Harefield NHS Foundation Trust); PubMed 8818942 (cited by 3 submitters); PubMed 9386136 (cited by Agnes Ginges Centre for Molecular Cardiology, Centenary Institute and Cardiovascular Biomedical Research Unit, Royal Brompton & Harefield NHS Foundation Trust).